The following is an entry in ClinVar:

ClinVar aggregate classification (germline): Pathogenic (1 of 4 stars; one submission).

Conditions:
Pontocerebellar hypoplasia type 1A (PCH1A). Also called: PONTOCEREBELLAR HYPOPLASIA WITH ANTERIOR HORN CELL DISEASE; PONTOCEREBELLAR HYPOPLASIA WITH INFANTILE SPINAL MUSCULAR ATROPHY. Identifiers: Orphanet 2254, Orphanet 88616, MedGen C1843504, MONDO:0011866, OMIM 607596.

Submission:

Labcorp Genetics (formerly Invitae), Labcorp
Classification: Pathogenic for Pontocerebellar hypoplasia type 1A. Last evaluated: 2023-07-13. Review status: criteria provided, single submitter. Criteria: Invitae Variant Classification Sherloc (09022015). Collection method: clinical testing. Allele origin: germline.
Comment: This variant is a gross deletion of the genomic region encompassing exon(s) 2-11 of the VRK1 gene, which includes the initiator codon. This deletion extends beyond the assayed region for this gene and therefore may encompass additional genes. It is expected to result in an absent or disrupted protein product. Loss-of-function variants in VRK1 are known to be pathogenic (PMID: 19646678, 24126608, 27281532). This variant has not been reported in the literature in individuals affected with VRK1-related conditions. For these reasons, this variant has been classified as Pathogenic.

Literature cited by the submitters: PubMed 19646678; PubMed 24126608; PubMed 27281532.

NC_000014.8:g.(?_97299809)_(97327092_?)del

Gene: VRK1 (VRK serine/threonine kinase 1; plus strand). Cytogenetic location: 14q32.2.
Variant type: Deletion.
Identifiers: ClinVar variation 1457447 (VCV001457447.43).